The following is an entry in ClinVar:

ClinVar aggregate classification (germline): Uncertain significance (1 of 4 stars; one submission).

Submission:

Women's Health and Genetics/Laboratory Corporation of America, LabCorp
Classification: Uncertain significance. Last evaluated: 2023-11-27. Review status: criteria provided, single submitter. Criteria: LabCorp Variant Classification Summary - May 2015. Collection method: clinical testing. Allele origin: germline.
Comment: Variant summary: LDLRAP1 c.601_604delinsGCCC (p.Pro201_Ser202delinsAlaPro) is part of a multinucleotide combination of c.601C>G and c.604T>C. The variant was absent in 1461532 control chromosomes. The available data on variant occurrences in the general population are insufficient to allow any conclusion about variant significance. To our knowledge, no occurrence of c.601_604delinsGCCC in individuals affected with Familial Hypercholesterolemia and no experimental evidence demonstrating its impact on protein function have been reported. While c.604T>C is a well known benign variant, c.601C>G has not been reported in publications, to our knowledge. No submitters have cited clinical-significance assessments for this variant to ClinVar after 2014. Based on the evidence outlined above, the variant was classified as uncertain significance.

NM_015627.3(LDLRAP1):c.601_604delinsGCCC (p.Pro201_Ser202delinsAlaPro)

Gene: LDLRAP1 (low density lipoprotein receptor adaptor protein 1; plus strand). Cytogenetic location: 1p36.11.
Variant type: Indel.
Coding change: c.601_604delinsGCCC on transcript NM_015627.3 (MANE Select); coding-DNA positions 601 to 604, CCCT replaced by GCCC.
Protein change: p.Pro201_Ser202delinsAlaPro.
Molecular consequence: missense variant.
Genome position (GRCh38, 1-based): chr1:25,563,138-25,563,141, CCCT replaced by GCCC. VCF-style: chr1-25563138-CCCT-GCCC. GRCh37 (hg19) VCF-style: chr1-25889629-CCCT-GCCC.
Identifiers: ClinVar variation 2682277 (VCV002682277.1), dbSNP rs2524110924, ClinGen allele CA2697552263.